The following is an entry in ClinVar:

ClinVar aggregate classification (germline): Conflicting classifications of pathogenicity. Review status: criteria provided, conflicting classifications (1 of 4 stars). 5 submissions from 5 submitters: Uncertain significance (2); Likely benign (3). Last evaluated 2025-12-22.

Conditions:
Nemaline myopathy 10 (NEM10). Identifiers: MedGen C4015360, MONDO:0014513, OMIM 616165.

Allele frequency attached by ClinVar (database versions not stated): ESP Exome Variant Server 0.00025; TOPMed 0.00036; gnomAD 0.00048 and 0.00023; gnomAD exomes 0.00072 and 0.00110; ExAC 0.00196; 1000 Genomes Project 30x 0.00281; 1000 Genomes Project 0.00300.
gnomAD v4.1: 1,140 of 1,602,286 alleles (0.071%); highest among the groups gnomAD compares: South Asian, 0.73%; 6 homozygotes.

Submissions (5):

Labcorp Genetics (formerly Invitae), Labcorp
Classification: Likely benign for Nemaline myopathy 10. Last evaluated: 2025-12-22. Review status: criteria provided, single submitter. Criteria: Invitae Variant Classification Sherloc (09022015). Collection method: clinical testing. Allele origin: germline.

Blueprint Genetics
Classification: Uncertain significance. Last evaluated: 2024-11-21. Review status: criteria provided, single submitter. Criteria: ACMG Guidelines, 2015. Collection method: clinical testing. Allele origin: germline.

Revvity Omics, Revvity
Classification: Likely benign for Nemaline myopathy 10. Last evaluated: 2023-12-29. Review status: criteria provided, single submitter. Criteria: ACMG Guidelines, 2015. Collection method: clinical testing. Allele origin: germline.

CeGaT Center for Human Genetics Tuebingen
Classification: Likely benign. Last evaluated: 2022-12-01. Review status: criteria provided, single submitter. Criteria: CeGaT Center For Human Genetics Tuebingen Variant Classification Criteria Version 2. Collection method: clinical testing. Allele origin: germline. Affected: yes. Observed: 1 variant allele.
Comment: LMOD3: BS1

Genomic Diagnostic Laboratory, Division of Genomic Diagnostics, Children's Hospital of Philadelphia
Classification: Uncertain significance. Last evaluated: 2015-04-12. Review status: criteria provided, single submitter. Criteria: DGD Variant Analysis Guidelines. Collection method: clinical testing. Allele origin: unknown.

NM_198271.5(LMOD3):c.1667C>A (p.Pro556Gln)

Gene: LMOD3 (leiomodin 3; minus strand). Cytogenetic location: 3p14.1.
Variant type: single nucleotide variant.
Coding change: c.1667C>A on transcript NM_198271.5 (MANE Select); coding-DNA position 1667, C replaced by A.
Protein change: p.Pro556Gln; replaces proline 556 with glutamine.
Molecular consequence: missense variant.
Genome position (GRCh38, 1-based): chr3:69,109,111, G>T on the plus strand (C>A on the coding strand, the complement: LMOD3 is on the minus strand). VCF-style: chr3-69109111-G-T. GRCh37 (hg19) VCF-style: chr3-69158262-G-T.
Other names: c.1667C>A, p.Pro556Gln (NM_001304418.3); short protein forms P556Q.
Identifiers: ClinVar variation 218866 (VCV000218866.38), dbSNP rs201205115, ClinGen allele CA249110.